The following is an entry in ClinVar:

NM_006767.4(LZTR1):c.993+1G>C

Gene: LZTR1 (leucine zipper like post translational regulator 1; plus strand). Cytogenetic location: 22q11.21.
Variant type: single nucleotide variant.
Coding change: c.993+1G>C on transcript NM_006767.4 (MANE Select); the canonical splice donor site of the intron after coding-DNA position 993, G replaced by C.
Molecular consequence: splice donor variant.
Genome position (GRCh38, 1-based): chr22:20,991,830, G>C. VCF-style: chr22-20991830-G-C. GRCh37 (hg19) VCF-style: chr22-21346119-G-C.
Identifiers: ClinVar variation 3869250 (VCV003869250.1).

ClinVar aggregate classification (germline): Likely pathogenic (1 of 4 stars; one submission).

Conditions:
Hereditary cancer-predisposing syndrome. Also called: Hereditary neoplastic syndrome; Neoplastic Syndromes, Hereditary; Tumor predisposition; Hereditary Cancer Syndrome. Identifiers: Orphanet 140162, MedGen C0027672, MeSH D009386, MONDO:0015356.
Cardiovascular phenotype. Identifiers: MedGen CN230736.

gnomAD v4.1: 3 of 1,548,388 alleles (0.00019%); highest among the groups gnomAD compares: Non-Finnish European, 0.00026%; no homozygotes.

Submission:

Ambry Genetics
Classification: Likely pathogenic for Cardiovascular phenotype; Hereditary cancer-predisposing syndrome. Last evaluated: 2025-02-07. Review status: criteria provided, single submitter. Criteria: Ambry Variant Classification Scheme 2023. Collection method: clinical testing. Allele origin: germline.
Comment: The c.993+1G>C intronic variant results from a G to C substitution one nucleotide after coding exon 9 of the LZTR1 gene. This variant is considered to be rare based on population cohorts in the Genome Aggregation Database (gnomAD). This nucleotide position is highly conserved in available vertebrate species. In silico splice site analysis predicts that this alteration will weaken the native splice donor site. Alterations that disrupt the canonical splice site are expected to cause aberrant splicing, resulting in an abnormal protein or a transcript that is subject to nonsense-mediated mRNA decay. Loss-of-function variants in LZTR1 are related to an increased risk for schwannomas and autosomal recessive Noonan syndrome; however, such associations with autosomal dominant Noonan syndrome have not been observed (Piotrowski A et al. Nat Genet. 2014 Feb;46:182-7; Yamamoto GL et al. J Med Genet. 2015 Jun;52:413-21; Johnston JJ et al. Genet Med. 2018 10;20:1175-1185). Based on the supporting evidence, this variant is likely pathogenic for an increased risk of LZTR1-related schwannomatosis (SWN) and would be expected to cause autosomal recessive Noonan syndrome when present along with a second pathogenic or likely pathogenic variant on the other allele; however, the association of this alteration with autosomal dominant Noonan syndrome is unlikely.